The following is an entry in ClinVar:

NM_000540.3(RYR1):c.8227C>T (p.Leu2743Phe)

Gene: RYR1 (ryanodine receptor 1; plus strand). Cytogenetic location: 19q13.2.
Variant type: single nucleotide variant.
Coding change: c.8227C>T on transcript NM_000540.3 (MANE Select); coding-DNA position 8227, C replaced by T.
Protein change: p.Leu2743Phe; replaces leucine 2743 with phenylalanine.
Molecular consequence: missense variant.
Genome position (GRCh38, 1-based): chr19:38,504,907, C>T. VCF-style: chr19-38504907-C-T. GRCh37 (hg19) VCF-style: chr19-38995547-C-T.
Other names: c.8227C>T, p.Leu2743Phe (NM_001042723.2); short protein forms L2743F.
Identifiers: ClinVar variation 3072305 (VCV003072305.1), dbSNP rs2514355299, ClinGen allele CA405677017.

ClinVar aggregate classification (germline): Uncertain significance (1 of 4 stars; one submission).

Conditions:
Malignant hyperthermia, susceptibility to, 1 (MHS1). Also called: Anesthesia related hyperthermia; Malignant hyperpyrexia; Fulminating hyperpyrexia; Pharmacogenic myopathy; RYR1-Related Malignant Hyperthermia Susceptibility; Malignant hyperthermia suceptibility 1. Identifiers: Orphanet 423, MedGen C2930980, MONDO:0007783, OMIM 145600.

Submission:

All of Us Research Program, National Institutes of Health
Classification: Uncertain significance for Malignant hyperthermia, susceptibility to, 1. Last evaluated: 2023-07-10. Review status: criteria provided, single submitter. Criteria: ACMG Guidelines, 2015. Collection method: clinical testing. Allele origin: germline. Inheritance: Autosomal dominant inheritance. Observed: 1 variant allele, 1 heterozygote.
Comment: This missense variant replaces leucine with phenylalanine at codon 2743 of the RYR1 protein. Computational prediction suggests that this variant may not impact protein structure and function (internally defined REVEL score threshold <= 0.5, PMID: 27666373). To our knowledge, functional studies have not been reported for this variant. This variant has not been reported in individuals affected with RYR1-related disorders in the literature. This variant has not been identified in the general population by the Genome Aggregation Database (gnomAD). The available evidence is insufficient to determine the role of this variant in disease conclusively. Therefore, this variant is classified as a Variant of Uncertain Significance.

This study involves interpretation of variants in research participants for the purpose of population health screening. Participant phenotype was not available at the time of variant classification. Additional details can be found in publication PMID: 35346344, PMCID: PMC8962531